The following is an entry in ClinVar:

NM_000264.5(PTCH1):c.4218C>T (p.His1406=)

Gene: PTCH1 (patched 1; minus strand). Cytogenetic location: 9q22.32.
Variant type: single nucleotide variant.
Coding change: c.4218C>T on transcript NM_000264.5 (MANE Select); coding-DNA position 4218, C replaced by T.
Protein change: p.His1406=; no amino-acid change (histidine 1406 retained).
Molecular consequence: synonymous variant. On other transcripts: non-coding transcript variant (1).
Genome position (GRCh38, 1-based): chr9:95,447,038, G>A on the plus strand (C>T on the coding strand, the complement: PTCH1 is on the minus strand). VCF-style: chr9-95447038-G-A. GRCh37 (hg19) VCF-style: chr9-98209320-G-A.
Other names: c.4020C>T, p.His1340= (NM_001083602.3); c.4215C>T, p.His1405= (NM_001083603.3); c.3765C>T, p.His1255= (NM_001083604.3, NM_001083605.3, NM_001083606.3 and 1 more transcripts); c.4062C>T, p.His1354= (NM_001354918.2); c.4218C>T (NM_000264.4).
Identifiers: ClinVar variation 220320 (VCV000220320.33), dbSNP rs372558350, ClinGen allele CA350701.

ClinVar aggregate classification (germline): Benign/Likely benign. Review status: criteria provided, multiple submitters, no conflicts (2 of 4 stars). 5 submissions from 5 submitters: Benign (1); Likely benign (3). 1 of the submissions does not count toward it. Last evaluated 2025-12-22.

Conditions:
Hereditary cancer-predisposing syndrome. Also called: Neoplastic Syndromes, Hereditary; Hereditary Cancer Syndrome; Tumor predisposition; Hereditary neoplastic syndrome. Identifiers: Orphanet 140162, MedGen C0027672, MeSH D009386, MONDO:0015356.
Gorlin syndrome. Also called: Nevoid Basal Cell Carcinoma Syndrome; Basal cell nevus syndrome. Identifiers: Orphanet 377, MedGen C0004779, MONDO:0007187.
PTCH1-related disorder. Also called: PTCH1-related disorders; PTCH1-related condition.

Allele frequency attached by ClinVar (database versions not stated): gnomAD exomes 0.00004; 1000 Genomes Project 30x 0.00016; 1000 Genomes Project 0.00020; gnomAD 0.00021 and 0.00023; TOPMed 0.00022; ESP Exome Variant Server 0.00031.
gnomAD v4.1: 95 of 1,614,200 alleles (0.0059%); highest among the groups gnomAD compares: African/African-American, 0.049%; no homozygotes.

Submissions (5):

Labcorp Genetics (formerly Invitae), Labcorp
Classification: Likely benign for Gorlin syndrome. Last evaluated: 2025-12-22. Review status: criteria provided, single submitter. Criteria: Invitae Variant Classification Sherloc (09022015). Collection method: clinical testing. Allele origin: germline.

CeGaT Center for Human Genetics Tuebingen
Classification: Likely benign. Last evaluated: 2024-10-01. Review status: criteria provided, single submitter. Criteria: CeGaT Center For Human Genetics Tuebingen Variant Classification Criteria Version 2. Collection method: clinical testing. Allele origin: germline. Affected: yes. Observed: 1 variant allele.
Comment: PTCH1: BP4, BP7

Quest Diagnostics Nichols Institute San Juan Capistrano
Classification: Benign. Last evaluated: 2022-09-01. Review status: criteria provided, single submitter. Criteria: Quest Diagnostics criteria. Collection method: clinical testing. Allele origin: unknown.

Ambry Genetics
Classification: Likely benign for Hereditary cancer-predisposing syndrome. Last evaluated: 2017-06-08. Review status: criteria provided, single submitter. Criteria: Ambry Variant Classification Scheme 2023. Collection method: clinical testing. Allele origin: germline.

PreventionGenetics, part of Exact Sciences
Classification: Likely benign for PTCH1-related condition. Last evaluated: 2021-08-04. Review status: no assertion criteria provided. Collection method: clinical testing. Allele origin: germline. Not counted in ClinVar's aggregate classification.
Comment: This variant is classified as likely benign based on ACMG/AMP sequence variant interpretation guidelines (Richards et al. 2015 PMID: 25741868, with internal and published modifications).